The following is an entry in ClinVar:

ClinVar aggregate classification (germline): Benign (1 of 4 stars; one submission).

Allele frequency attached by ClinVar (database versions not stated): gnomAD 0.02395 and 0.02579; TOPMed 0.02729; ESP Exome Variant Server 0.02762; 1000 Genomes Project 0.02855; 1000 Genomes Project 30x 0.03029.
gnomAD v4.1: 7,433 of 1,567,298 alleles (0.47%); highest among the groups gnomAD compares: African/African-American, 8.3%; 274 homozygotes.

Submission:

GeneDx
Classification: Benign. Last evaluated: 2018-06-14. Review status: criteria provided, single submitter. Criteria: GeneDx Variant Classification (06012015). Collection method: clinical testing. Allele origin: germline. Affected: yes.
Comment: This variant is considered likely benign or benign based on one or more of the following criteria: it is a conservative change, it occurs at a poorly conserved position in the protein, it is predicted to be benign by multiple in silico algorithms, and/or has population frequency not consistent with disease.

NM_000218.3(KCNQ1):c.1686-49C>T

Gene: KCNQ1 (potassium voltage-gated channel subfamily Q member 1; plus strand). Cytogenetic location: 11p15.5.
Variant type: single nucleotide variant.
Coding change: c.1686-49C>T on transcript NM_000218.3 (MANE Select); 49 bases into the intron before coding-DNA position 1686, C replaced by T.
Molecular consequence: intron variant.
Genome position (GRCh38, 1-based): chr11:2,776,937, C>T. VCF-style: chr11-2776937-C-T. GRCh37 (hg19) VCF-style: chr11-2798167-C-T.
Other names: c.1416-49C>T (NM_001406837.1); c.1590-49C>T (NM_001406836.1); c.1146-49C>T (NM_001406838.1); c.1305-49C>T (NM_181798.2).
Identifiers: ClinVar variation 675405 (VCV000675405.3), dbSNP rs3852523, ClinGen allele CA032084.
Genomic context (GRCh38, chr11:2,776,937, plus strand): 5'-ACAGTCCACTGTCTTGCCGGGCACGTCAAGCTGTCTGTCCCACAGACGACAGTGCATCTG[C>T]GCAGTGCCAGGGCCAGGTGTGAACTGGTGTCTGTGTCCTTCTCTCCAGGCTGGACCAGTC-3'